The following is an entry in ClinVar:

NM_152328.5(ADSS1):c.1105G>C (p.Val369Leu)

Gene: ADSS1 (adenylosuccinate synthase 1; plus strand). Cytogenetic location: 14q32.33.
Variant type: single nucleotide variant.
Coding change: c.1105G>C on transcript NM_152328.5 (MANE Select); coding-DNA position 1105, G replaced by C.
Protein change: p.Val369Leu; replaces valine 369 with leucine.
Molecular consequence: missense variant.
Genome position (GRCh38, 1-based): chr14:104,744,843, G>C. VCF-style: chr14-104744843-G-C. GRCh37 (hg19) VCF-style: chr14-105211180-G-C.
Other names: c.490G>C, p.Val164Leu (NM_001320424.1); c.1234G>C, p.Val412Leu (NM_199165.2); short protein forms V412L, V164L, V369L.
Identifiers: ClinVar variation 1989659 (VCV001989659.4), dbSNP rs759021404, ClinGen allele CA7374035.

ClinVar aggregate classification (germline): Uncertain significance (1 of 4 stars; one submission).

gnomAD v4.1: 7 of 1,614,206 alleles (0.00043%); highest among the groups gnomAD compares: South Asian, 0.0022%; no homozygotes.

Submission:

Labcorp Genetics (formerly Invitae), Labcorp
Classification: Uncertain significance. Last evaluated: 2022-07-19. Review status: criteria provided, single submitter. Criteria: Invitae Variant Classification Sherloc (09022015). Collection method: clinical testing. Allele origin: germline.
Comment: In summary, the available evidence is currently insufficient to determine the role of this variant in disease. Therefore, it has been classified as a Variant of Uncertain Significance. Algorithms developed to predict the effect of missense changes on protein structure and function are either unavailable or do not agree on the potential impact of this missense change (SIFT: "Not Available"; PolyPhen-2: "Benign"; Align-GVGD: "Not Available"). This variant has not been reported in the literature in individuals affected with ADSSL1-related conditions. This variant is present in population databases (rs759021404, gnomAD 0.006%). This sequence change replaces valine, which is neutral and non-polar, with leucine, which is neutral and non-polar, at codon 412 of the ADSSL1 protein (p.Val412Leu).